The following is an entry in ClinVar:

NM_004371.4(COPA):c.994A>C (p.Met332Leu)

Gene: COPA (coat protein complex I subunit alpha; minus strand). Cytogenetic location: 1q23.2.
Variant type: single nucleotide variant.
Coding change: c.994A>C on transcript NM_004371.4 (MANE Select); coding-DNA position 994, A replaced by C.
Protein change: p.Met332Leu; replaces methionine 332 with leucine.
Molecular consequence: missense variant.
Genome position (GRCh38, 1-based): chr1:160,311,950, T>G on the plus strand (A>C on the coding strand, the complement: COPA is on the minus strand). VCF-style: chr1-160311950-T-G. GRCh37 (hg19) VCF-style: chr1-160281740-T-G.
Other names: c.994A>C, p.Met332Leu (NM_001098398.2); short protein forms M332L.
Identifiers: ClinVar variation 1930059 (VCV001930059.5), dbSNP rs115066135, ClinGen allele CA1198233.

ClinVar aggregate classification (germline): Uncertain significance (1 of 4 stars; one submission).

Conditions:
Autoimmune interstitial lung disease-arthritis syndrome. Also called: Autoinflammation and autoimmunity, systemic, with immune dysregulation. Identifiers: Orphanet 444092, MedGen C5975714, MONDO:0014629.

Allele frequency attached by ClinVar (database versions not stated): TOPMed 0.00003.
gnomAD v4.1: 106 of 1,613,964 alleles (0.0066%); highest among the groups gnomAD compares: Non-Finnish European, 0.0087%; no homozygotes.

Submission:

Labcorp Genetics (formerly Invitae), Labcorp
Classification: Uncertain significance for Autoimmune interstitial lung disease-arthritis syndrome. Last evaluated: 2025-12-11. Review status: criteria provided, single submitter. Criteria: Invitae Variant Classification Sherloc (09022015). Collection method: clinical testing. Allele origin: germline.
Comment: This sequence change replaces methionine, which is neutral and non-polar, with leucine, which is neutral and non-polar, at codon 332 of the COPA protein (p.Met332Leu). This variant is present in population databases (rs115066135, gnomAD 0.006%). This variant has not been reported in the literature in individuals affected with COPA-related conditions. ClinVar contains an entry for this variant (Variation ID: 1930059). Invitae Evidence Modeling of protein sequence and biophysical properties (such as structural, functional, and spatial information, amino acid conservation, physicochemical variation, residue mobility, and thermodynamic stability) indicates that this missense variant is not expected to disrupt COPA protein function with a negative predictive value of 80%. In summary, the available evidence is currently insufficient to determine the role of this variant in disease. Therefore, it has been classified as a Variant of Uncertain Significance.